The following is an entry in ClinVar:

ClinVar aggregate classification (germline): Uncertain significance (1 of 4 stars; one submission).

Conditions:
Brown-Vialetto-van Laere syndrome 1. Also called: BROWN-VIALETTO-VAN LAERE SYNDROME 1, MILD; BULBAR PALSY, PROGRESSIVE, WITH SENSORINEURAL DEAFNESS; PONTOBULBAR PALSY WITH DEAFNESS. Identifiers: Orphanet 572550, Orphanet 97229, MedGen C0796274, MONDO:0024537, OMIM 211530.

Allele frequency attached by ClinVar (database versions not stated): gnomAD exomes below 0.00001; ExAC 0.00003.

Submission:

Labcorp Genetics (formerly Invitae), Labcorp
Classification: Uncertain significance for Brown-Vialetto-van Laere syndrome 1. Last evaluated: 2021-07-21. Review status: criteria provided, single submitter. Criteria: Invitae Variant Classification Sherloc (09022015). Collection method: clinical testing. Allele origin: germline.
Comment: In summary, the available evidence is currently insufficient to determine the role of this variant in disease. Therefore, it has been classified as a Variant of Uncertain Significance. Algorithms developed to predict the effect of missense changes on protein structure and function (SIFT, PolyPhen-2, Align-GVGD) all suggest that this variant is likely to be tolerated. This variant has not been reported in the literature in individuals affected with SLC52A3-related conditions. This variant is present in population databases (rs771690412, ExAC 0.007%). This sequence change replaces methionine with isoleucine at codon 416 of the SLC52A3 protein (p.Met416Ile). The methionine residue is highly conserved and there is a small physicochemical difference between methionine and isoleucine.

NM_033409.4(SLC52A3):c.1248G>A (p.Met416Ile)

Gene: SLC52A3 (solute carrier family 52 member 3; minus strand). Cytogenetic location: 20p13.
Variant type: single nucleotide variant.
Coding change: c.1248G>A on transcript NM_033409.4 (MANE Select); coding-DNA position 1248, G replaced by A.
Protein change: p.Met416Ile; replaces methionine 416 with isoleucine.
Molecular consequence: missense variant.
Genome position (GRCh38, 1-based): chr20:761,188, C>T on the plus strand (G>A on the coding strand, the complement: SLC52A3 is on the minus strand). VCF-style: chr20-761188-C-T. GRCh37 (hg19) VCF-style: chr20-741832-C-T.
Other names: c.1248G>A, p.Met416Ile (NM_001370086.1, NM_001370085.1); short protein forms M416I.
Identifiers: ClinVar variation 1505454 (VCV001505454.8), dbSNP rs771690412, ClinGen allele CA9724532.